The following is an entry in ClinVar:

NM_000334.4(SCN4A):c.4428G>A (p.Met1476Ile)

Genes: GH-LCR (growth hormone locus control region; plus strand), SCN4A (sodium voltage-gated channel alpha subunit 4; minus strand). Cytogenetic location: 17q23.3.
Variant type: single nucleotide variant.
Coding change: c.4428G>A on transcript NM_000334.4 (MANE Select); coding-DNA position 4428, G replaced by A.
Protein change: p.Met1476Ile; replaces methionine 1476 with isoleucine.
Molecular consequence: missense variant.
Genome position (GRCh38, 1-based): chr17:63,941,854, C>T on the plus strand (G>A on the coding strand, the complement: SCN4A is on the minus strand). VCF-style: chr17-63941854-C-T. GRCh37 (hg19) VCF-style: chr17-62019214-C-T.
Other names: short protein forms M1476I.
Identifiers: ClinVar variation 5921 (VCV000005921.21), dbSNP rs121908559, ClinGen allele CA117853.

ClinVar aggregate classification (germline): Pathogenic/Likely pathogenic. Review status: criteria provided, multiple submitters, no conflicts (2 of 4 stars). 6 submissions from 6 submitters: Pathogenic (4); Likely pathogenic (1). 1 of the submissions does not count toward it. Last evaluated 2024-12-20.

Conditions:
Acetazolamide-responsive myotonia. Identifiers: Orphanet 99736, MedGen C4275008, MONDO:0020483.
SCN4A-related disorder. Also called: SCN4A-related disorders.
Paramyotonia congenita of Von Eulenburg. Also called: PARALYSIS PERIODICA PARAMYOTONICA; Paramyotonia Congenita; Eulenburg disease; Myotonia congenita intermittens; Von Eulenburg paramyotonia congenita. Identifiers: Orphanet 684, MedGen C0221055, MONDO:0008195, OMIM 168300. Disease mechanism: loss of function.
Hyperkalemic periodic paralysis. Also called: Familial hyperkalemic periodic paralysis; Gamstorp disease. Identifiers: Orphanet 682, MedGen C0238357, MONDO:0008224, OMIM 170500, HP:0007215.

Allele frequency attached by ClinVar (database versions not stated): gnomAD exomes below 0.00001 and 0.00001.

Submissions (6):

Revvity Omics, Revvity
Classification: Pathogenic. Last evaluated: 2024-12-20. Review status: criteria provided, single submitter. Criteria: ACMG Guidelines, 2015. Collection method: clinical testing. Allele origin: germline.

Blueprint Genetics
Classification: Pathogenic for SCN4A-related disorders. Last evaluated: 2024-09-25. Review status: criteria provided, single submitter. Criteria: ACMG Guidelines, 2015. Collection method: clinical testing. Allele origin: germline. Affected: yes. Observed: 5 variant alleles.

Labcorp Genetics (formerly Invitae), Labcorp
Classification: Pathogenic for Hyperkalemic periodic paralysis. Last evaluated: 2024-05-22. Review status: criteria provided, single submitter. Criteria: Invitae Variant Classification Sherloc (09022015). Collection method: clinical testing. Allele origin: germline.
Comment: This sequence change replaces methionine, which is neutral and non-polar, with isoleucine, which is neutral and non-polar, at codon 1476 of the SCN4A protein (p.Met1476Ile). This variant is present in population databases (rs121908559, gnomAD 0.0009%). This missense change has been observed in individuals with sodium-channel myotonia in several families and has been implicated as a French-Canadian founder variant (PMID: 17998485). It is commonly reported in individuals of French-Canadian ancestry (PMID: 17998485). ClinVar contains an entry for this variant (Variation ID: 5921). Advanced modeling of protein sequence and biophysical properties (such as structural, functional, and spatial information, amino acid conservation, physicochemical variation, residue mobility, and thermodynamic stability) has been performed at Invitae for this missense variant, however the output from this modeling did not meet the statistical confidence thresholds required to predict the impact of this variant on SCN4A protein function. Experimental studies have shown that this missense change affects SCN4A function (PMID: 22250216). For these reasons, this variant has been classified as Pathogenic.

Women's Health and Genetics/Laboratory Corporation of America, LabCorp
Classification: Pathogenic for Acetazolamide-responsive myotonia. Last evaluated: 2023-07-20. Review status: criteria provided, single submitter. Criteria: LabCorp Variant Classification Summary - May 2015. Collection method: clinical testing. Allele origin: germline.
Comment: Variant summary: SCN4A c.4428G>A (p.Met1476Ile) results in a conservative amino acid change located in the Ion transport domain (IPR005821) of the encoded protein sequence. Three of five in-silico tools predict a benign effect of the variant on protein function. The variant allele was found at a frequency of 4e-06 in 250964 control chromosomes. c.4428G>A has been reported in the literature in multiple individuals affected with Sodium Channel Myotonia (Rossignol_2007). These data indicate that the variant is very likely to be associated with disease. At least one publication reports experimental evidence demonstrating increased persistent Na+ current, a disruption of fast inactivation and an accelerated recovery from inactivtion (Zhao_2012). The following publications have been ascertained in the context of this evaluation (PMID: 17998485, 22250216). Three submitters have cited clinical-significance assessments for this variant to ClinVar after 2014 and classified the variant as pathogenic (n=2) and likely pathogenic (n=1). Based on the evidence outlined above, the variant was classified as pathogenic.

GeneDx
Classification: Likely pathogenic. Last evaluated: 2022-04-01. Review status: criteria provided, single submitter. Criteria: GeneDx Variant Classification Process June 2021. Collection method: clinical testing. Allele origin: germline. Affected: yes.
Comment: Published functional studies demonstrate a damaging effect on sodium channel function (Zhao et al., 2012); Reported in both asymptomatic individuals and individuals with myotonia from several French Canadian families in published literature (Dupre et al., 2009; Rossignol et al., 2007); Not observed at significant frequency in large population cohorts (gnomAD); In silico analysis supports that this missense variant has a deleterious effect on protein structure/function; This variant is associated with the following publications: (PMID: 17998485, 22250216, 18337100)

OMIM
Classification: Pathogenic for PARAMYOTONIA CONGENITA. Last evaluated: 2007-11-13. Review status: no assertion criteria provided. Collection method: literature only. Allele origin: germline. Not counted in ClinVar's aggregate classification.

Literature cited by the submitters: PubMed 17998485 (cited by 3 submitters); PubMed 22250216 (cited by Labcorp Genetics (formerly Invitae), Labcorp and Women's Health and Genetics/Laboratory Corporation of America, LabCorp).